The following is an entry in ClinVar:

ClinVar aggregate classification (germline): Likely benign. Review status: criteria provided, multiple submitters, no conflicts (2 of 4 stars). 3 submissions from 3 submitters: Likely benign (3). Last evaluated 2026-06-15.

Conditions:
Polyps, multiple and recurrent inflammatory fibroid, gastrointestinal. Identifiers: MedGen C5193005, MONDO:0008285, OMIM 175510.
Hereditary cancer-predisposing syndrome. Also called: Hereditary Cancer Syndrome; Tumor predisposition; Neoplastic Syndromes, Hereditary; Hereditary neoplastic syndrome. Identifiers: Orphanet 140162, MedGen C0027672, MeSH D009386, MONDO:0015356.
Gastrointestinal stromal tumor. Also called: Gastrointestinal stromal tumor, somatic; Gastrointestinal stroma tumor. Identifiers: Orphanet 44890, MedGen C0238198, MeSH D046152, MONDO:0011719, OMIM 606764, HP:0100723.

Allele frequency attached by ClinVar (database versions not stated): TOPMed 0.00001.
gnomAD v4.1: 24 of 1,612,344 alleles (0.0015%); highest among the groups gnomAD compares: South Asian, 0.016%; no homozygotes.

Submissions (3):

Myriad Genetics, Inc.
Classification: Likely benign for Polyps, multiple and recurrent inflammatory fibroid, gastrointestinal. Last evaluated: 2026-06-15. Review status: criteria provided, single submitter. Criteria: Myriad Autosomal Dominant, Autosomal Recessive and X-Linked Classification Criteria (2023). Collection method: clinical testing. Allele origin: unknown.
Comment: This variant is considered likely benign. This variant is intronic and is not expected to impact mRNA splicing.

Labcorp Genetics (formerly Invitae), Labcorp
Classification: Likely benign for Gastrointestinal stromal tumor. Last evaluated: 2025-11-04. Review status: criteria provided, single submitter. Criteria: Invitae Variant Classification Sherloc (09022015). Collection method: clinical testing. Allele origin: germline.

Ambry Genetics
Classification: Likely benign for Hereditary cancer-predisposing syndrome. Last evaluated: 2024-03-20. Review status: criteria provided, single submitter. Criteria: Ambry Variant Classification Scheme 2023. Collection method: clinical testing. Allele origin: germline.

NM_006206.6(PDGFRA):c.2003-4A>G

Gene: PDGFRA (platelet derived growth factor receptor alpha; plus strand). Cytogenetic location: 4q12.
Variant type: single nucleotide variant.
Coding change: c.2003-4A>G on transcript NM_006206.6 (MANE Select); 4 bases into the intron before coding-DNA position 2003, A replaced by G.
Molecular consequence: intron variant.
Genome position (GRCh38, 1-based): chr4:54,278,358, A>G. VCF-style: chr4-54278358-A-G. GRCh37 (hg19) VCF-style: chr4-55144525-A-G.
Other names: c.2078-4A>G (NM_001347828.2); c.2003-4A>G (NM_001347827.2, NM_001347829.2); c.2042-4A>G (NM_001347830.2).
Identifiers: ClinVar variation 644933 (VCV000644933.13), dbSNP rs756002020, ClinGen allele CA2922735.